The following is an entry in ClinVar:

ClinVar aggregate classification (germline): Uncertain significance (1 of 4 stars; one submission).

Conditions:
Hypertrophic cardiomyopathy. Also called: HYPERTROPHIC MYOCARDIOPATHY. Identifiers: Orphanet 217569, MedGen C0007194, MeSH D002312, MONDO:0005045, HP:0001639.

Submission:

Labcorp Genetics (formerly Invitae), Labcorp
Classification: Uncertain significance for Hypertrophic cardiomyopathy. Last evaluated: 2022-05-28. Review status: criteria provided, single submitter. Criteria: Invitae Variant Classification Sherloc (09022015). Collection method: clinical testing. Allele origin: germline.
Comment: In summary, the available evidence is currently insufficient to determine the role of this variant in disease. Therefore, it has been classified as a Variant of Uncertain Significance. This variant is found within a region of MYH7 between codons 181 and 937 that contains the majority of the myosin head domain. Missense variants in this region have been shown to be significantly overrepresented in individuals with hypertrophic cardiomyopathy (PMID: 27532257). Algorithms developed to predict the effect of missense changes on protein structure and function are either unavailable or do not agree on the potential impact of this missense change (SIFT: "Deleterious"; PolyPhen-2: "Probably Damaging"; Align-GVGD: "Class C0"). This variant has not been reported in the literature in individuals affected with MYH7-related conditions. This variant is not present in population databases (gnomAD no frequency). This sequence change replaces glutamine, which is neutral and polar, with arginine, which is basic and polar, at codon 288 of the MYH7 protein (p.Gln288Arg).

Literature cited by the submitters: PubMed 27532257.

NM_000257.4(MYH7):c.863A>G (p.Gln288Arg)

Gene: MYH7 (myosin heavy chain 7; minus strand). Cytogenetic location: 14q11.2.
Variant type: single nucleotide variant.
Coding change: c.863A>G on transcript NM_000257.4 (MANE Select); coding-DNA position 863, A replaced by G.
Protein change: p.Gln288Arg; replaces glutamine 288 with arginine.
Molecular consequence: missense variant.
Genome position (GRCh38, 1-based): chr14:23,430,933, T>C on the plus strand (A>G on the coding strand, the complement: MYH7 is on the minus strand). VCF-style: chr14-23430933-T-C. GRCh37 (hg19) VCF-style: chr14-23900142-T-C.
Other names: c.863A>G, p.Gln288Arg (NM_001407004.1); short protein forms Q288R.
Identifiers: ClinVar variation 2091497 (VCV002091497.4), dbSNP rs2502310078, ClinGen allele CA389051877.